The following is an entry in ClinVar:

ClinVar aggregate classification (germline): Conflicting classifications of pathogenicity. Review status: criteria provided, conflicting classifications (1 of 4 stars). 2 submissions from 2 submitters: Uncertain significance (1); Likely benign (1). Last evaluated 2024-06-18.

Conditions:
Telangiectasia, hereditary hemorrhagic, type 5 (HHT5). Identifiers: Orphanet 774, MedGen C3809710, MONDO:0014217, OMIM 615506.

Allele frequency attached by ClinVar (database versions not stated): gnomAD exomes 0.00003 and 0.00008; ExAC 0.00008; gnomAD 0.00008; TOPMed 0.00011.
gnomAD v4.1: 76 of 1,601,416 alleles (0.0047%); highest among the groups gnomAD compares: East Asian, 0.036%; 1 homozygote.

Submissions (2):

Blueprint Genetics
Classification: Likely benign. Last evaluated: 2024-06-18. Review status: criteria provided, single submitter. Criteria: ACMG Guidelines, 2015. Collection method: clinical testing. Allele origin: germline.

Labcorp Genetics (formerly Invitae), Labcorp
Classification: Uncertain significance for Telangiectasia, hereditary hemorrhagic, type 5. Last evaluated: 2022-10-19. Review status: criteria provided, single submitter. Criteria: Invitae Variant Classification Sherloc (09022015). Collection method: clinical testing. Allele origin: germline.
Comment: This sequence change replaces valine, which is neutral and non-polar, with isoleucine, which is neutral and non-polar, at codon 403 of the GDF2 protein (p.Val403Ile). This variant is present in population databases (rs367957332, gnomAD 0.03%). This missense change has been observed in individual(s) with clinical features of hereditary hemorrhagic telangiectasia (PMID: 34611981). ClinVar contains an entry for this variant (Variation ID: 950559). Algorithms developed to predict the effect of missense changes on protein structure and function output the following: SIFT: "Tolerated"; PolyPhen-2: "Benign"; Align-GVGD: "Class C0". The isoleucine amino acid residue is found in multiple mammalian species, which suggests that this missense change does not adversely affect protein function. In summary, the available evidence is currently insufficient to determine the role of this variant in disease. Therefore, it has been classified as a Variant of Uncertain Significance.

Literature cited by the submitters: PubMed 34611981 (cited by Labcorp Genetics (formerly Invitae), Labcorp).

NM_016204.4(GDF2):c.1207G>A (p.Val403Ile)

Gene: GDF2 (growth differentiation factor 2; plus strand). Cytogenetic location: 10q11.22.
Variant type: single nucleotide variant.
Coding change: c.1207G>A on transcript NM_016204.4 (MANE Select); coding-DNA position 1207, G replaced by A.
Protein change: p.Val403Ile; replaces valine 403 with isoleucine.
Molecular consequence: missense variant.
Genome position (GRCh38, 1-based): chr10:47,325,701, G>A. VCF-style: chr10-47325701-G-A. GRCh37 (hg19) VCF-style: chr10-48413661-C-T.
Other names: short protein forms V403I.
Identifiers: ClinVar variation 950559 (VCV000950559.4), dbSNP rs367957332, ClinGen allele CA5487925.